The following is an entry in ClinVar:

ClinVar aggregate classification (germline): Pathogenic (1 of 4 stars; one submission).

Conditions:
Joubert syndrome and related disorders. Identifiers: Orphanet 140874, MedGen C5679612, MONDO:0015369.

Submission:

Myriad Genetics, Inc.
Classification: Pathogenic for Joubert syndrome and related disorders. Last evaluated: 2026-06-04. Review status: criteria provided, single submitter. Criteria: Myriad Autosomal Dominant, Autosomal Recessive and X-Linked Classification Criteria (2023). Collection method: clinical testing. Allele origin: unknown.
Comment: NM_001080522.2(CC2D2A):c.3700G>T(E1234*) is expected to be pathogenic in the context of CC2D2A-related disorders. This variant is predicted to lead to an abnormal or absent protein product due to the creation of a premature termination codon in CC2D2A, a gene where loss-of-function variants are known to be pathogenic. Please note: this variant was assessed in the context of healthy population screening.

NM_001378615.1(CC2D2A):c.3700G>T (p.Glu1234Ter)

Genes: CC2D2A (coiled-coil and C2 domain containing 2A; plus strand), FBXL5 (F-box and leucine rich repeat protein 5; minus strand). Cytogenetic location: 4p15.32.
Variant type: single nucleotide variant.
Coding change: c.3700G>T on transcript NM_001378615.1 (MANE Select); coding-DNA position 3700, G replaced by T.
Protein change: p.Glu1234Ter; replaces glutamic acid 1234 with a stop codon.
Molecular consequence: nonsense.
Genome position (GRCh38, 1-based): chr4:15,574,255, G>T. VCF-style: chr4-15574255-G-T. GRCh37 (hg19) VCF-style: chr4-15575878-G-T.
Other names: c.3700G>T, p.Glu1234Ter (NM_001080522.2); c.3553G>T, p.Glu1185Ter (NM_001378617.1); short protein forms E1185*, E1234*.
Identifiers: ClinVar variation 5015984 (VCV005015984.1).